The following is an entry in ClinVar:

ClinVar aggregate classification (germline): Uncertain significance (1 of 4 stars; one submission).

Conditions:
Hereditary cancer-predisposing syndrome. Also called: Neoplastic Syndromes, Hereditary; Hereditary neoplastic syndrome; Tumor predisposition; Hereditary Cancer Syndrome. Identifiers: Orphanet 140162, MedGen C0027672, MeSH D009386, MONDO:0015356.

Submission:

Color Diagnostics, LLC DBA Color Health
Classification: Uncertain significance for Hereditary cancer-predisposing syndrome. Last evaluated: 2025-07-25. Review status: criteria provided, single submitter. Criteria: ACMG Guidelines, 2015. Collection method: clinical testing. Allele origin: germline.
Comment: This missense variant replaces phenylalanine with leucine at codon 573 of the MSH6 protein. Computational prediction suggests that this variant may have deleterious impact on protein structure and function. To our knowledge, functional studies have not been reported for this variant. This variant has not been reported in individuals affected with MSH6-related disorders in the literature. This variant has not been identified in the general population by the Genome Aggregation Database (gnomAD). The available evidence is insufficient to determine the role of this variant in disease conclusively. Therefore, this variant is classified as a Variant of Uncertain Significance.

NM_000179.3(MSH6):c.1717T>C (p.Phe573Leu)

Gene: MSH6 (mutS homolog 6; plus strand). Cytogenetic location: 2p16.3.
Variant type: single nucleotide variant.
Coding change: c.1717T>C on transcript NM_000179.3 (MANE Select); coding-DNA position 1717, T replaced by C.
Protein change: p.Phe573Leu; replaces phenylalanine 573 with leucine.
Molecular consequence: missense variant. On other transcripts: non-coding transcript variant (4), intron variant (2).
Genome position (GRCh38, 1-based): chr2:47,799,700, T>C. VCF-style: chr2-47799700-T-C. GRCh37 (hg19) VCF-style: chr2-48026839-T-C.
Other names: c.1327T>C, p.Phe443Leu (NM_001281492.2); c.811T>C, p.Phe271Leu (NM_001281493.2, NM_001281494.2, NM_001406811.1 and 6 more transcripts); c.1813T>C, p.Phe605Leu (NM_001406795.1, NM_001406802.1); c.1717T>C, p.Phe573Leu (NM_001406796.1, NM_001406798.1, NM_001406800.1 and 3 more transcripts); c.1420T>C, p.Phe474Leu (NM_001406797.1, NM_001406801.1, NM_001406805.1 and 10 more transcripts); c.1192T>C, p.Phe398Leu (NM_001406799.1, NM_001406806.1, NM_001406807.1); c.1639T>C, p.Phe547Leu (NM_001406804.1); c.1723T>C, p.Phe575Leu (NM_001406813.1); and 3 more; short protein forms F271L, F398L, F443L, F474L, F517L, F547L, F573L, F575L.
Identifiers: ClinVar variation 4759118 (VCV004759118.1).